The following is an entry in ClinVar:

ClinVar aggregate classification (germline): Benign (1 of 4 stars; one submission).

Allele frequency attached by ClinVar (database versions not stated): TOPMed 0.67383; gnomAD 0.68481 and 0.69126; 1000 Genomes Project 30x 0.71252; 1000 Genomes Project 0.72145.
gnomAD v4.1: 104,984 of 152,004 alleles (69%); highest among the groups gnomAD compares: East Asian, 86%; 36,517 homozygotes.

Submission:

GeneDx
Classification: Benign. Last evaluated: 2018-06-18. Review status: criteria provided, single submitter. Criteria: GeneDx Variant Classification (06012015). Collection method: clinical testing. Allele origin: germline. Affected: yes.
Comment: This variant is considered likely benign or benign based on one or more of the following criteria: it is a conservative change, it occurs at a poorly conserved position in the protein, it is predicted to be benign by multiple in silico algorithms, and/or has population frequency not consistent with disease.

NM_001999.4(FBN2):c.7471+273C>A

Gene: FBN2 (fibrillin 2; minus strand). Cytogenetic location: 5q23.3.
Variant type: single nucleotide variant.
Coding change: c.7471+273C>A on transcript NM_001999.4 (MANE Select); 273 bases into the intron after coding-DNA position 7471, C replaced by A.
Molecular consequence: intron variant.
Genome position (GRCh38, 1-based): chr5:128,277,607, G>T on the plus strand (C>A on the coding strand, the complement: FBN2 is on the minus strand). VCF-style: chr5-128277607-G-T. GRCh37 (hg19) VCF-style: chr5-127613299-G-T.
Identifiers: ClinVar variation 683536 (VCV000683536.1), dbSNP rs255695, ClinGen allele CA127022768.
Genomic context (GRCh38, chr5:128,277,607, plus strand): 5'-TAAAATGTTGAAAGTATGTATTTGTGATTTTTGTTTCTCAGGTTTACAACCTGAGAATCA[G>T]AAACTTAAGAGTTTCTCTGTTTTTGACACATGGATGTGGCACAAGTTCTTTTAAACTCTC-3'